The following is an entry in ClinVar:

ClinVar aggregate classification (germline): Uncertain significance (1 of 4 stars; one submission).

Conditions:
Hereditary cancer-predisposing syndrome. Also called: Hereditary neoplastic syndrome; Neoplastic Syndromes, Hereditary; Tumor predisposition; Hereditary Cancer Syndrome. Identifiers: Orphanet 140162, MedGen C0027672, MeSH D009386, MONDO:0015356.

Submission:

Ambry Genetics
Classification: Uncertain significance for Hereditary cancer-predisposing syndrome. Last evaluated: 2025-02-13. Review status: criteria provided, single submitter. Criteria: Ambry Variant Classification Scheme 2023. Collection method: clinical testing. Allele origin: germline.
Comment: The p.L161I variant (also known as c.481C>A), located in coding exon 1 of the GREM1 gene, results from a C to A substitution at nucleotide position 481. The leucine at codon 161 is replaced by isoleucine, an amino acid with highly similar properties. This amino acid position is conserved. In addition, this alteration is predicted to be tolerated by in silico analysis. Based on the available evidence, the clinical significance of this variant remains unclear.

NM_013372.7(GREM1):c.481C>A (p.Leu161Ile)

Gene: GREM1 (gremlin 1, DAN family BMP antagonist; plus strand). Cytogenetic location: 15q13.3.
Variant type: single nucleotide variant.
Coding change: c.481C>A on transcript NM_013372.7 (MANE Select); coding-DNA position 481, C replaced by A.
Protein change: p.Leu161Ile; replaces leucine 161 with isoleucine.
Molecular consequence: missense variant.
Genome position (GRCh38, 1-based): chr15:32,731,171, C>A. VCF-style: chr15-32731171-C-A. GRCh37 (hg19) VCF-style: chr15-33023372-C-A.
Other names: c.271C>A, p.Leu91Ile (NM_001191322.2); c.358C>A, p.Leu120Ile (NM_001191323.2); c.481C>A, p.Leu161Ile (NM_001368719.1); short protein forms L120I, L161I, L91I.
Identifiers: ClinVar variation 3855655 (VCV003855655.1).